The following is an entry in ClinVar:

ClinVar aggregate classification (germline): Uncertain significance (1 of 4 stars; one submission).

Conditions:
Neurodevelopmental disorder with or without hyperkinetic movements and seizures, autosomal dominant. Also called: Intellectual disability, autosomal dominant 8. Identifiers: MedGen C3280282, MONDO:0013655, OMIM 614254.

Allele frequency attached by ClinVar (database versions not stated): gnomAD exomes below 0.00001.
gnomAD v4.1: 2 of 1,600,430 alleles (0.00012%); highest among the groups gnomAD compares: Non-Finnish European, 0.000085%; no homozygotes.

Submission:

Labcorp Genetics (formerly Invitae), Labcorp
Classification: Uncertain significance for Neurodevelopmental disorder with or without hyperkinetic movements and seizures, autosomal dominant. Last evaluated: 2022-09-07. Review status: criteria provided, single submitter. Criteria: Invitae Variant Classification Sherloc (09022015). Collection method: clinical testing. Allele origin: germline.
Comment: This sequence change replaces valine, which is neutral and non-polar, with methionine, which is neutral and non-polar, at codon 721 of the GRIN1 protein (p.Val721Met). This variant is not present in population databases (gnomAD no frequency). This variant has not been reported in the literature in individuals affected with GRIN1-related conditions. Advanced modeling of protein sequence and biophysical properties (such as structural, functional, and spatial information, amino acid conservation, physicochemical variation, residue mobility, and thermodynamic stability) performed at Invitae indicates that this missense variant is expected to disrupt GRIN1 protein function. Algorithms developed to predict the effect of sequence changes on RNA splicing suggest that this variant may disrupt the consensus splice site. In summary, the available evidence is currently insufficient to determine the role of this variant in disease. Therefore, it has been classified as a Variant of Uncertain Significance.

NM_007327.4(GRIN1):c.2161G>A (p.Val721Met)

Gene: GRIN1 (glutamate ionotropic receptor NMDA type subunit 1; plus strand). Cytogenetic location: 9q34.3.
Variant type: single nucleotide variant.
Coding change: c.2161G>A on transcript NM_007327.4 (MANE Select); coding-DNA position 2161, G replaced by A.
Protein change: p.Val721Met; replaces valine 721 with methionine.
Molecular consequence: missense variant.
Genome position (GRCh38, 1-based): chr9:137,162,993, G>A. VCF-style: chr9-137162993-G-A. GRCh37 (hg19) VCF-style: chr9-140057445-G-A.
Other names: c.2161G>A, p.Val721Met (NM_000832.7, NM_021569.4); c.2224G>A, p.Val742Met (NM_001185090.2, NM_001185091.2); short protein forms V721M, V742M.
Identifiers: ClinVar variation 2073799 (VCV002073799.4), dbSNP rs2538643420, ClinGen allele CA375722595.